The following is an entry in ClinVar:

NM_152906.7(TANGO2):c.298G>A (p.Val100Met)

Gene: TANGO2 (transport and golgi organization 2 homolog; plus strand). Cytogenetic location: 22q11.21.
Variant type: single nucleotide variant.
Coding change: c.298G>A on transcript NM_152906.7 (MANE Select); coding-DNA position 298, G replaced by A.
Protein change: p.Val100Met; replaces valine 100 with methionine.
Molecular consequence: missense variant. On other transcripts: non-coding transcript variant (1), intron variant (18).
Genome position (GRCh38, 1-based): chr22:20,053,469, G>A. VCF-style: chr22-20053469-G-A. GRCh37 (hg19) VCF-style: chr22-20040992-G-A.
Other names: c.298G>A, p.Val100Met (NM_001283106.3, NM_001283116.3, NM_001283148.3 and 3 more transcripts); c.421G>A, p.Val141Met (NM_001283129.3, NM_001283215.3, NM_001322141.2 and 3 more transcripts); c.196G>A, p.Val66Met (NM_001322146.2, NM_001322148.2, NM_001322160.2); c.265+885G>A (NM_001322163.2, NM_001283179.3, NM_001322167.2 and 4 more transcripts); c.86+885G>A (NM_001322174.2, NM_001322172.2, NM_001322175.2 and 6 more transcripts); c.388+885G>A (NM_001322145.2, NM_001322147.2); short protein forms V100M, V141M, V66M.
Identifiers: ClinVar variation 1416439 (VCV001416439.6), dbSNP rs772019892, ClinGen allele CA10106284.

ClinVar aggregate classification (germline): Uncertain significance (1 of 4 stars; one submission).

Allele frequency attached by ClinVar (database versions not stated): gnomAD 0.00001; TOPMed 0.00001.

Submission:

Labcorp Genetics (formerly Invitae), Labcorp
Classification: Uncertain significance. Last evaluated: 2024-10-15. Review status: criteria provided, single submitter. Criteria: Invitae Variant Classification Sherloc (09022015). Collection method: clinical testing. Allele origin: germline.
Comment: This sequence change replaces valine, which is neutral and non-polar, with methionine, which is neutral and non-polar, at codon 100 of the TANGO2 protein (p.Val100Met). This variant is present in population databases (rs772019892, gnomAD 0.007%). This variant has not been reported in the literature in individuals affected with TANGO2-related conditions. ClinVar contains an entry for this variant (Variation ID: 1416439). An algorithm developed to predict the effect of missense changes on protein structure and function outputs the following: PolyPhen-2: "Benign". The methionine amino acid residue is found in multiple mammalian species, which suggests that this missense change does not adversely affect protein function. In summary, the available evidence is currently insufficient to determine the role of this variant in disease. Therefore, it has been classified as a Variant of Uncertain Significance.